The following is an entry in ClinVar:

ClinVar aggregate classification (germline): Uncertain significance (1 of 4 stars; one submission).

Conditions:
JAK1-related disorder. Also called: JAK1-related condition.

gnomAD v4.1: 1 of 1,614,218 alleles (0.000062%); highest among the groups gnomAD compares: Non-Finnish European, 0.000085%; no homozygotes.

Submission:

PreventionGenetics, part of Exact Sciences
Classification: Uncertain significance for JAK1-related condition. Last evaluated: 2024-11-04. Review status: criteria provided, single submitter. Criteria: ACMG Guidelines, 2015. Collection method: clinical testing. Allele origin: germline.
Comment: The JAK1 c.2263C>T variant is predicted to result in premature protein termination (p.Arg755*). To our knowledge, this variant has not been reported in the literature. This variant is reported in 0.00088% of alleles in individuals of European (Non-Finnish) descent in gnomAD. However, loss of function is not an established mechanism of JAK1-related disease. Although we suspect that this variant may be pathogenic, at this time, the clinical significance of this variant is uncertain due to the absence of conclusive functional and genetic evidence.

NM_002227.4(JAK1):c.2263C>T (p.Arg755Ter)

Gene: JAK1 (Janus kinase 1; minus strand). Cytogenetic location: 1p31.3.
Variant type: single nucleotide variant.
Coding change: c.2263C>T on transcript NM_002227.4 (MANE Select); coding-DNA position 2263, C replaced by T.
Protein change: p.Arg755Ter; replaces arginine 755 with a stop codon.
Molecular consequence: nonsense.
Genome position (GRCh38, 1-based): chr1:64,844,204, G>A on the plus strand (C>T on the coding strand, the complement: JAK1 is on the minus strand). VCF-style: chr1-64844204-G-A. GRCh37 (hg19) VCF-style: chr1-65309887-G-A.
Other names: c.2263C>T, p.Arg755Ter (NM_001320923.2, NM_001321852.2, NM_001321853.2 and 3 more transcripts); c.2260C>T, p.Arg754Ter (NM_001321857.2); short protein forms R754*, R755*.
Identifiers: ClinVar variation 4990118 (VCV004990118.1).